The following is an entry in ClinVar:

NM_001903.5(CTNNA1):c.284A>C (p.Glu95Ala)

Gene: CTNNA1 (catenin alpha 1; plus strand). Cytogenetic location: 5q31.2.
Variant type: single nucleotide variant.
Coding change: c.284A>C on transcript NM_001903.5 (MANE Select); coding-DNA position 284, A replaced by C.
Protein change: p.Glu95Ala; replaces glutamic acid 95 with alanine.
Molecular consequence: missense variant. On other transcripts: intron variant (2).
Genome position (GRCh38, 1-based): chr5:138,783,355, A>C. VCF-style: chr5-138783355-A-C. GRCh37 (hg19) VCF-style: chr5-138119044-A-C.
Other names: c.284A>C, p.Glu95Ala (NM_001290307.3, NM_001323982.2, NM_001323983.1 and 3 more transcripts); c.-6+83A>C (NM_001290310.3); c.-9+1326A>C (NM_001290309.3); short protein forms E95A.
Identifiers: ClinVar variation 1350800 (VCV001350800.10), dbSNP rs1755342562, ClinGen allele CA361477684.

ClinVar aggregate classification (germline): Uncertain significance. Review status: criteria provided, multiple submitters, no conflicts (2 of 4 stars). 3 submissions from 3 submitters: Uncertain significance (3). Last evaluated 2025-12-17.

Conditions:
Hereditary cancer-predisposing syndrome. Also called: Neoplastic Syndromes, Hereditary; Tumor predisposition; Hereditary neoplastic syndrome; Hereditary Cancer Syndrome. Identifiers: Orphanet 140162, MedGen C0027672, MeSH D009386, MONDO:0015356.
Patterned macular dystrophy 2. Identifiers: Orphanet 99001, MedGen C1837029, MONDO:0012162, OMIM 608970.

gnomAD v4.1: 2 of 1,613,534 alleles (0.00012%); highest among the groups gnomAD compares: Non-Finnish European, 0.00017%; no homozygotes.

Submissions (3):

Labcorp Genetics (formerly Invitae), Labcorp
Classification: Uncertain significance. Last evaluated: 2025-12-17. Review status: criteria provided, single submitter. Criteria: Invitae Variant Classification Sherloc (09022015). Collection method: clinical testing. Allele origin: germline.
Comment: This sequence change replaces glutamic acid, which is acidic and polar, with alanine, which is neutral and non-polar, at codon 95 of the CTNNA1 protein (p.Glu95Ala). This variant is not present in population databases (gnomAD no frequency). This variant has not been reported in the literature in individuals affected with CTNNA1-related conditions. ClinVar contains an entry for this variant (Variation ID: 1350800). Invitae Evidence Modeling of protein sequence and biophysical properties (such as structural, functional, and spatial information, amino acid conservation, physicochemical variation, residue mobility, and thermodynamic stability) indicates that this missense variant is not expected to disrupt CTNNA1 protein function with a negative predictive value of 80%. In summary, the available evidence is currently insufficient to determine the role of this variant in disease. Therefore, it has been classified as a Variant of Uncertain Significance.

Ambry Genetics
Classification: Uncertain significance for Hereditary cancer-predisposing syndrome. Last evaluated: 2025-01-28. Review status: criteria provided, single submitter. Criteria: Ambry Variant Classification Scheme 2023. Collection method: clinical testing. Allele origin: germline.
Comment: The p.E95A variant (also known as c.284A>C), located in coding exon 2 of the CTNNA1 gene, results from an A to C substitution at nucleotide position 284. The glutamic acid at codon 95 is replaced by alanine, an amino acid with dissimilar properties. This amino acid position is conserved. In addition, this alteration is predicted to be tolerated by in silico analysis. The evidence for this gene-disease relationship is limited; therefore, the clinical significance of this alteration is unclear.

Baylor Genetics
Classification: Uncertain significance for Patterned macular dystrophy 2. Last evaluated: 2023-05-28. Review status: criteria provided, single submitter. Criteria: ACMG Guidelines, 2015. Collection method: clinical testing. Allele origin: unknown.